The following is an entry in ClinVar:

NM_001735.3(C5):c.3303T>C (p.Cys1101=)

Gene: C5 (complement C5; minus strand). Cytogenetic location: 9q33.2.
Variant type: single nucleotide variant.
Coding change: c.3303T>C on transcript NM_001735.3 (MANE Select); coding-DNA position 3303, T replaced by C.
Protein change: p.Cys1101=; no amino-acid change (cysteine 1101 retained).
Molecular consequence: synonymous variant.
Genome position (GRCh38, 1-based): chr9:120,982,742, A>G on the plus strand (T>C on the coding strand, the complement: C5 is on the minus strand). VCF-style: chr9-120982742-A-G. GRCh37 (hg19) VCF-style: chr9-123745020-A-G.
Other names: c.3321T>C, p.Cys1107= (NM_001317163.2).
Identifiers: ClinVar variation 709557 (VCV000709557.13), dbSNP rs145979468, ClinGen allele CA5217515.

ClinVar aggregate classification (germline): Benign/Likely benign. Review status: criteria provided, multiple submitters, no conflicts (2 of 4 stars). 4 submissions from 4 submitters: Benign (1); Likely benign (2). 1 of the submissions does not count toward it. Last evaluated 2025-12-17.

Conditions:
Eculizumab, poor response to. Identifiers: MedGen C3810402, OMIM 615749.
Complement component 5 deficiency. Also called: C5 DEFICIENCY. Identifiers: MedGen C0343047, MONDO:0012295, OMIM 609536.
C5-related disorder. Also called: C5-related condition.

Allele frequency attached by ClinVar (database versions not stated): gnomAD exomes 0.00010 and 0.00026; ExAC 0.00031; gnomAD 0.00134 and 0.00142; ESP Exome Variant Server 0.00139; TOPMed 0.00139; 1000 Genomes Project 30x 0.00156; 1000 Genomes Project 0.00160.
gnomAD v4.1: 352 of 1,606,478 alleles (0.022%); highest among the groups gnomAD compares: African/African-American, 0.42%; 1 homozygote.

Submissions (4):

Labcorp Genetics (formerly Invitae), Labcorp
Classification: Benign. Last evaluated: 2025-12-17. Review status: criteria provided, single submitter. Criteria: Invitae Variant Classification Sherloc (09022015). Collection method: clinical testing. Allele origin: germline.

Blueprint Genetics
Classification: Likely benign. Last evaluated: 2024-10-02. Review status: criteria provided, single submitter. Criteria: ACMG Guidelines, 2015. Collection method: clinical testing. Allele origin: germline.

Fulgent Genetics
Classification: Likely benign for Complement component 5 deficiency; Eculizumab, poor response to. Last evaluated: 2022-01-17. Review status: criteria provided, single submitter. Criteria: ACMG Guidelines, 2015. Collection method: clinical testing. Allele origin: unknown.

PreventionGenetics, part of Exact Sciences
Classification: Likely benign for C5-related condition. Last evaluated: 2019-07-08. Review status: no assertion criteria provided. Collection method: clinical testing. Allele origin: germline. Not counted in ClinVar's aggregate classification.
Comment: This variant is classified as likely benign based on ACMG/AMP sequence variant interpretation guidelines (Richards et al. 2015 PMID: 25741868, with internal and published modifications).